The following is an entry in ClinVar:

NM_000441.2(SLC26A4):c.414del (p.Gly139fs)

Gene: SLC26A4 (solute carrier family 26 member 4; plus strand). Cytogenetic location: 7q22.3.
Variant type: Deletion.
Coding change: c.414del on transcript NM_000441.2 (MANE Select); coding-DNA position 414, one base deleted (T; older notation c.414delT).
Protein change: p.Gly139fs; shifts the reading frame from glycine 139.
Molecular consequence: frameshift variant.
Genome position (GRCh38, 1-based): chr7:107,672,247, T deleted; the last of 2 consecutive T bases (chr7:107,672,246-107,672,247); deleting either gives the same sequence. VCF-style (leftmost placement, unchanged base first): chr7-107672245-GT-G. GRCh37 (hg19) VCF-style: chr7-107312690-GT-G.
Other names: c.414del (NM_000441.1); short protein forms G139fs.
Identifiers: ClinVar variation 2678940 (VCV002678940.4), dbSNP rs1562822698, ClinGen allele CA577030189.
Genomic context (GRCh38, chr7:107,672,245, plus strand): 5'-TACTCTGCTTTTTTCCCTATCCTGACATACTTTATCTTTGGAACATCAAGACATATCTCA[GT>G]TGGTAATTATAAGTATATTTTACAATTATATTTGCTCATGTTTAAAGTGTTTTGGCTATA-3'

ClinVar aggregate classification (germline): Pathogenic. Review status: criteria provided, multiple submitters, no conflicts (2 of 4 stars). 3 submissions from 3 submitters: Pathogenic (3). Last evaluated 2025-09-02.

Conditions:
Autosomal recessive nonsyndromic hearing loss 4 (DFNB4). Also called: Deafness, autosomal recessive 4, with enlarged vestibular aqueduct; NEUROSENSORY NONSYNDROMIC RECESSIVE DEAFNESS 4; FOXI1-Related Pendred Syndrome; KCNJ10-Related Pendred Syndrome; DEAFNESS, AUTOSOMAL RECESSIVE 4, WITH ENLARGED VESTIBULAR AQUEDUCT, DIGENIC; Enlarged vestibular aqueduct, digenic. Identifiers: Orphanet 90636, MedGen C3538946, MONDO:0010933, OMIM 600791.
Pendred syndrome (PDS). Also called: Pendred Syndrome (PDS); HYPOTHYROIDISM, CONGENITAL, DUE TO DYSHORMONOGENESIS, 2B; THYROID DYSHORMONOGENESIS 2B; THYROID HORMONOGENESIS, GENETIC DEFECT IN, 2B; DEAFNESS WITH GOITER; GOITER-DEAFNESS SYNDROME. Identifiers: Orphanet 705, MedGen C0271829, MONDO:0010134, OMIM 274600.

Submissions (3):

Myriad Genetics, Inc.
Classification: Pathogenic for Pendred syndrome. Last evaluated: 2025-09-02. Review status: criteria provided, single submitter. Criteria: Myriad Autosomal Dominant, Autosomal Recessive and X-Linked Classification Criteria (2023). Collection method: clinical testing. Allele origin: unknown.
Comment: NM_000441.1(SLC26A4):c.414delT(G139Dfs*6) is expected to be pathogenic in the context of Pendred syndrome. This variant is predicted to lead to an abnormal or absent protein product due to the creation of a premature termination codon in SLC26A4, a gene where loss-of-function variants are known to be pathogenic. Please note: this variant was assessed in the context of healthy population screening.

Natera, Inc.
Classification: Pathogenic for Pendred syndrome. Last evaluated: 2025-01-18. Review status: criteria provided, single submitter. Criteria: Natera Variant Classification Schema (03/2026). Collection method: clinical testing. Allele origin: germline.
Comment: The c.414del variant in SLC26A4 is a frameshift variant predicted to shift the reading frame beginning at codon 139 and leads to a stop codon 6 codons downstream. This variant is expected to result in nonsense mediated decay, truncation, or a dysfunctional protein product. This variant is rare in the general population with a frequency below the threshold expected for the associated phenotype(s). This variant has been observed in one or more individuals affected with the associated recessive disease, as either homozygous or compound heterozygous with a second variant (PMID: 27792752, 25372295, 21961810, 31107121). Given the available evidence, this variant is classified as Pathogenic.

Baylor Genetics
Classification: Pathogenic for Autosomal recessive nonsyndromic hearing loss 4. Last evaluated: 2022-08-08. Review status: criteria provided, single submitter. Criteria: ACMG Guidelines, 2015. Collection method: clinical testing. Allele origin: unknown.

Literature cited by the submitters: PubMed 27792752 (cited by Natera, Inc.); PubMed 25372295 (cited by Natera, Inc.); PubMed 21961810 (cited by Natera, Inc.); PubMed 31107121 (cited by Natera, Inc.).